The following is an entry in ClinVar:

ClinVar aggregate classification (germline): Uncertain significance (1 of 4 stars; one submission).

Conditions:
MRTFB-related neurodevelopmental disorder.

Submission:

3billion
Classification: Uncertain significance for MRTFB-related neurodevelopmental disorder. Last evaluated: 2025-02-11. Review status: criteria provided, single submitter. Criteria: ACMG Guidelines, 2015. Collection method: clinical testing. Allele origin: germline. Affected: yes.
Comment: The variant is not observed in the gnomAD v4.1.0 dataset. Predicted Consequence/Location: Inframe deletion located in a nonrepeat region: predicted to change the length of the protein and disrupt normal protein function. Therefore, this variant is classified as VUS according to the recommendation of ACMG/AMP guideline.

NM_001308142.2(MRTFB):c.570CAG[1] (p.Ser192del)

Gene: MRTFB (myocardin related transcription factor B; plus strand). Cytogenetic location: 16p13.12.
Variant type: Microsatellite.
Coding change: c.570CAG[1] on transcript NM_001308142.2 (MANE Select); one copy of the 3-base unit CAG starting at c.570; the reference has two copies in a row; one copy, 3 bases deleted; also written c.573_575del.
Protein change: p.Ser192del; deletes serine 192.
Molecular consequence: inframe deletion.
Genome position (GRCh38, 1-based): chr16:14,218,878-14,218,880, CAG deleted; deleting any 3 consecutive bases within chr16:14,218,875-14,218,880 gives the same sequence; the position shown is the placement nearest the transcript's 3' end. VCF-style (leftmost placement, unchanged base first): chr16-14218874-ACAG-A. GRCh37 (hg19) VCF-style: chr16-14312731-ACAG-A.
Other names: c.573_575del (NM_001308142.2); c.537CAG[1], p.Ser181del (NM_001365411.2, NM_001365415.2); c.570CAG[1], p.Ser192del (NM_001365412.2, NM_014048.4); c.357CAG[1], p.Ser121del (NM_001365413.2, NM_001365414.2, NM_001365416.2); short protein forms S121del, S181del, S192del.
Identifiers: ClinVar variation 4293773 (VCV004293773.1).
Genomic context (GRCh38, chr16:14,218,874, plus strand): 5'-CTTTAGGCGTTGGGAAGGAGGACTATCCCCACACTCAGGGCGATTTCTCATTTGATGAAG[ACAG>A]CAGTGACGCTTTGTCTCCGGACCAGCCTGCGAGTCAGGAGTCACAGGGGTCAGCCGCGTC-3'